The following is an entry in ClinVar:

NM_030958.3(SLCO5A1):c.1040+3A>G

Gene: SLCO5A1 (solute carrier organic anion transporter family member 5A1; minus strand). Cytogenetic location: 8q13.3.
Variant type: single nucleotide variant.
Coding change: c.1040+3A>G on transcript NM_030958.3 (MANE Select); 3 bases into the intron after coding-DNA position 1040, A replaced by G.
Molecular consequence: intron variant.
Genome position (GRCh38, 1-based): chr8:69,761,740, T>C on the plus strand (A>G on the coding strand, the complement: SLCO5A1 is on the minus strand). VCF-style: chr8-69761740-T-C. GRCh37 (hg19) VCF-style: chr8-70673975-T-C.
Other names: c.1040+3A>G (NM_001146008.2, NM_001146009.1).
Identifiers: ClinVar variation 1921353 (VCV001921353.5), dbSNP rs376164799, ClinGen allele CA4776681.

ClinVar aggregate classification (germline): Uncertain significance (1 of 4 stars; one submission).

Allele frequency attached by ClinVar (database versions not stated): ExAC 0.00001; gnomAD exomes 0.00001; gnomAD 0.00002; TOPMed 0.00003; ESP Exome Variant Server 0.00008.
gnomAD v4.1: 6 of 1,612,878 alleles (0.00037%); highest among the groups gnomAD compares: African/African-American, 0.008%; no homozygotes.

Submission:

Labcorp Genetics (formerly Invitae), Labcorp
Classification: Uncertain significance. Last evaluated: 2022-08-05. Review status: criteria provided, single submitter. Criteria: Invitae Variant Classification Sherloc (09022015). Collection method: clinical testing. Allele origin: germline.
Comment: This sequence change falls in intron 3 of the SLCO5A1 gene. It does not directly change the encoded amino acid sequence of the SLCO5A1 protein. It affects a nucleotide within the consensus splice site. This variant is present in population databases (rs376164799, gnomAD 0.02%). This variant has not been reported in the literature in individuals affected with SLCO5A1-related conditions. Variants that disrupt the consensus splice site are a relatively common cause of aberrant splicing (PMID: 17576681, 9536098). Algorithms developed to predict the effect of sequence changes on RNA splicing suggest that this variant is not likely to affect RNA splicing. In summary, the available evidence is currently insufficient to determine the role of this variant in disease. Therefore, it has been classified as a Variant of Uncertain Significance.

Literature cited by the submitters: PubMed 17576681; PubMed 9536098.